The following is an entry in ClinVar:

NM_002225.5(IVD):c.1122C>T (p.Asp374=)

Gene: IVD (isovaleryl-CoA dehydrogenase; plus strand). Cytogenetic location: 15q15.1.
Variant type: single nucleotide variant.
Coding change: c.1122C>T on transcript NM_002225.5 (MANE Select); coding-DNA position 1122, C replaced by T.
Protein change: p.Asp374=; no amino-acid change (aspartic acid 374 retained).
Molecular consequence: synonymous variant. On other transcripts: non-coding transcript variant (1).
Genome position (GRCh38, 1-based): chr15:40,416,346, C>T. VCF-style: chr15-40416346-C-T. GRCh37 (hg19) VCF-style: chr15-40708545-C-T.
Other names: c.1032C>T, p.Asp344= (NM_001159508.3); c.1074C>T, p.Asp358= (NM_001354597.3); c.1122C>T, p.Asp374= (NM_001354598.3, NM_001354601.3); c.1209C>T, p.Asp403= (NM_001354599.3, NM_001354600.3).
Identifiers: ClinVar variation 515984 (VCV000515984.13), dbSNP rs372504234, ClinGen allele CA7480888.

ClinVar aggregate classification (germline): Benign/Likely benign. Review status: criteria provided, multiple submitters, no conflicts (2 of 4 stars). 3 submissions from 3 submitters: Benign (1); Likely benign (1). 1 of the submissions does not count toward it. Last evaluated 2026-01-28.

Conditions:
Isovaleryl-CoA dehydrogenase deficiency (IVA). Also called: Classic Isovaleric Acidemia; IVD DEFICIENCY; Isovaleric acidemia; ISOVALERIC ACID CoA DEHYDROGENASE DEFICIENCY. Identifiers: Orphanet 33, MedGen C0268575, MONDO:0009475, OMIM 243500.

Allele frequency attached by ClinVar (database versions not stated): gnomAD 0.00005 and 0.00015; TOPMed 0.00005; gnomAD exomes 0.00041; ExAC 0.00043; 1000 Genomes Project 0.00080; 1000 Genomes Project 30x 0.00094.
gnomAD v4.1: 377 of 1,614,070 alleles (0.023%); highest among the groups gnomAD compares: South Asian, 0.32%; 4 homozygotes.

Submissions (3):

Labcorp Genetics (formerly Invitae), Labcorp
Classification: Benign for Isovaleryl-CoA dehydrogenase deficiency. Last evaluated: 2026-01-28. Review status: criteria provided, single submitter. Criteria: Invitae Variant Classification Sherloc (09022015). Collection method: clinical testing. Allele origin: germline.

GeneDx
Classification: Likely benign. Last evaluated: 2018-03-12. Review status: criteria provided, single submitter. Criteria: GeneDx Variant Classification (06012015). Collection method: clinical testing. Allele origin: germline. Affected: yes.
Comment: This variant is considered likely benign or benign based on one or more of the following criteria: it is a conservative change, it occurs at a poorly conserved position in the protein, it is predicted to be benign by multiple in silico algorithms, and/or has population frequency not consistent with disease.

Natera, Inc.
Classification: Likely benign for Isovaleryl-coa dehydrogenase deficiency. Last evaluated: 2020-04-17. Review status: no assertion criteria provided. Collection method: clinical testing. Allele origin: germline. Not counted in ClinVar's aggregate classification.